The following is an entry in ClinVar:

ClinVar aggregate classification (germline): Uncertain significance (1 of 4 stars; one submission).

Conditions:
Hereditary spastic paraplegia 11. Also called: Nakamura Osame syndrome; Autosomal recessive hereditary spastic paraplegia, mental impairment, and thin corpus callosum; SPASTIC PARAPLEGIA, AUTOSOMAL RECESSIVE, COMPLICATED, WITH THIN CORPUS CALLOSUM; SPASTIC PARAPLEGIA, AUTOSOMAL RECESSIVE, WITH MENTAL IMPAIRMENT AND THIN CORPUS CALLOSUM; Spastic Paraplegia 11; Spastic paraplegia, mental retardation and thin corpus callosum. Identifiers: Orphanet 2822, MedGen C1858479, MONDO:0011445, OMIM 604360.

Allele frequency attached by ClinVar (database versions not stated): TOPMed below 0.00001.

Submission:

Labcorp Genetics (formerly Invitae), Labcorp
Classification: Uncertain significance for Hereditary spastic paraplegia 11. Last evaluated: 2022-04-07. Review status: criteria provided, single submitter. Criteria: Invitae Variant Classification Sherloc (09022015). Collection method: clinical testing. Allele origin: germline.
Comment: This sequence change replaces methionine, which is neutral and non-polar, with leucine, which is neutral and non-polar, at codon 1272 of the SPG11 protein (p.Met1272Leu). This variant is not present in population databases (gnomAD no frequency). This variant has not been reported in the literature in individuals affected with SPG11-related conditions. Algorithms developed to predict the effect of missense changes on protein structure and function output the following: SIFT: "Tolerated"; PolyPhen-2: "Benign"; Align-GVGD: "Class C0". The leucine amino acid residue is found in multiple mammalian species, which suggests that this missense change does not adversely affect protein function. In summary, the available evidence is currently insufficient to determine the role of this variant in disease. Therefore, it has been classified as a Variant of Uncertain Significance.

NM_025137.4(SPG11):c.3814A>C (p.Met1272Leu)

Gene: SPG11 (SPG11 vesicle trafficking associated, spatacsin; minus strand). Cytogenetic location: 15q21.1.
Variant type: single nucleotide variant.
Coding change: c.3814A>C on transcript NM_025137.4 (MANE Select); coding-DNA position 3814, A replaced by C.
Protein change: p.Met1272Leu; replaces methionine 1272 with leucine.
Molecular consequence: missense variant.
Genome position (GRCh38, 1-based): chr15:44,598,709, T>G on the plus strand (A>C on the coding strand, the complement: SPG11 is on the minus strand). VCF-style: chr15-44598709-T-G. GRCh37 (hg19) VCF-style: chr15-44890907-T-G.
Other names: c.3814A>C, p.Met1272Leu (NM_001160227.2, NM_001411132.1); short protein forms M1272L.
Identifiers: ClinVar variation 2138654 (VCV002138654.1), dbSNP rs2083107613, ClinGen allele CA392230086.
Genomic context (GRCh38, chr15:44,598,709, plus strand): 5'-AGCTGTACTGAGCATCTTCATTTCTGCACTTGTAGCTCAAAATTATATTGGCCACTTTCA[T>G]ATCAACTCTGAGCTTGAGGCTGTCAAGGCCAAGCAATTCTAAGAAACAAACACATGCAGC-3'
Protein context (NP_079413.3, residues 1262-1282): GLDSLKLRVD[Met1272Leu]KVANIILSYK